The following is an entry in ClinVar:

NM_015512.5(DNAH1):c.10121_10129del (p.Asn3374_Leu3376del)

Gene: DNAH1 (dynein axonemal heavy chain 1; plus strand). Cytogenetic location: 3p21.1.
Variant type: Deletion.
Coding change: c.10121_10129del on transcript NM_015512.5 (MANE Select); coding-DNA positions 10121 to 10129, 9 bases deleted (ACCAGCTGA; older notation c.10121_10129delACCAGCTGA).
Protein change: p.Asn3374_Leu3376del.
Molecular consequence: inframe deletion.
Genome position (GRCh38, 1-based): chr3:52,392,532-52,392,540, ACCAGCTGA deleted; deleting any 9 consecutive bases within chr3:52,392,530-52,392,540 gives the same sequence; the c. name uses the placement nearest the transcript's 3' end. VCF-style (leftmost placement, unchanged base first): chr3-52392529-AGAACCAGCT-A. GRCh37 (hg19) VCF-style: chr3-52426545-AGAACCAGCT-A.
Identifiers: ClinVar variation 5019684 (VCV005019684.2).

ClinVar aggregate classification (germline): Uncertain significance (1 of 4 stars; one submission).

Conditions:
Spermatogenic failure 18. Identifiers: MedGen C4539783, MONDO:0054615, OMIM 617576.
Ciliary dyskinesia, primary, 37 (CILD37). Also called: CILIARY DYSKINESIA, PRIMARY, 37, WITH OR WITHOUT SITUS INVERSUS. Identifiers: MedGen C4539798, MONDO:0033204, OMIM 617577.

Submission:

Juno Genomics, Hangzhou Juno Genomics, Inc
Classification: Uncertain significance for Ciliary dyskinesia, primary, 37; Spermatogenic failure 18. Review status: criteria provided, single submitter. Criteria: ACMG Guidelines, 2015. Collection method: clinical testing. Allele origin: germline.
Comment: Absent from controls (or at extremely low frequency if recessive) in Genome Aggregation Database.;Protein length changes due to in-frame deletions/insertions in a non-repeat region or stop-loss variants.